The following is an entry in ClinVar:

ClinVar aggregate classification (germline): Pathogenic (1 of 4 stars; one submission).

Conditions:
Spermatogenic failure 18. Identifiers: MedGen C4539783, MONDO:0054615, OMIM 617576.
Ciliary dyskinesia, primary, 37 (CILD37). Also called: CILIARY DYSKINESIA, PRIMARY, 37, WITH OR WITHOUT SITUS INVERSUS. Identifiers: MedGen C4539798, MONDO:0033204, OMIM 617577.

Submission:

Labcorp Genetics (formerly Invitae), Labcorp
Classification: Pathogenic for Ciliary dyskinesia, primary, 37; Spermatogenic failure 18. Last evaluated: 2025-11-18. Review status: criteria provided, single submitter. Criteria: Invitae Variant Classification Sherloc (09022015). Collection method: clinical testing. Allele origin: germline.
Comment: This sequence change creates a premature translational stop signal (p.Leu327Argfs*11) in the DNAH1 gene. It is expected to result in an absent or disrupted protein product. Loss-of-function variants in DNAH1 are known to be pathogenic (PMID: 27573432, 27798045). This variant is not present in population databases (gnomAD no frequency). This variant has not been reported in the literature in individuals affected with DNAH1-related conditions. For these reasons, this variant has been classified as Pathogenic.

Literature cited by the submitters: PubMed 27573432; PubMed 27798045.

NM_015512.5(DNAH1):c.980del (p.Leu327fs)

Gene: DNAH1 (dynein axonemal heavy chain 1; plus strand). Cytogenetic location: 3p21.1.
Variant type: Deletion.
Coding change: c.980del on transcript NM_015512.5 (MANE Select); coding-DNA position 980, one base deleted (T; older notation c.980delT).
Protein change: p.Leu327fs; shifts the reading frame from leucine 327.
Molecular consequence: frameshift variant.
Genome position (GRCh38, 1-based): chr3:52,331,256, T deleted. VCF-style (leftmost placement, unchanged base first): chr3-52331255-CT-C. GRCh37 (hg19) VCF-style: chr3-52365271-CT-C.
Other names: short protein forms L327fs.
Identifiers: ClinVar variation 4792461 (VCV004792461.1).